The following is an entry in ClinVar:

ClinVar aggregate classification (germline): Pathogenic (1 of 4 stars; one submission).

Conditions:
Autosomal recessive polycystic kidney disease (ARPKD). Also called: AR polycystic kidney disease. Identifiers: Orphanet 731, Orphanet 8378, MedGen C0085548, MeSH D017044, MONDO:0009889.

Submission:

Labcorp Genetics (formerly Invitae), Labcorp
Classification: Pathogenic for Autosomal recessive polycystic kidney disease. Last evaluated: 2023-10-25. Review status: criteria provided, single submitter. Criteria: Invitae Variant Classification Sherloc (09022015). Collection method: clinical testing. Allele origin: unknown.
Comment: This variant is a gross deletion of the genomic region encompassing exon(s) 62 of the PKHD1 gene. This deletion is out-of-frame, and is expected to create a premature termination codon and result in an absent or disrupted protein product. Loss-of-function variants in PKHD1 are known to be pathogenic (PMID: 19940839). A similar copy number variant has been observed in individual(s) with polycystic kidney disease (PMID: 26695994). For these reasons, this variant has been classified as Pathogenic.

Literature cited by the submitters: PubMed 19940839; PubMed 26695994.

NC_000006.11:g.(?_51513863)_(51514038_?)del

Gene: PKHD1 (PKHD1 ciliary IPT domain containing fibrocystin/polyductin; minus strand). Cytogenetic location: 6p12.3.
Variant type: Deletion.
Identifiers: ClinVar variation 3245961 (VCV003245961.1).